The following is an entry in ClinVar:

ClinVar aggregate classification (germline): Uncertain significance (1 of 4 stars; one submission).

Allele frequency attached by ClinVar (database versions not stated): TOPMed below 0.00001; gnomAD 0.00001; gnomAD exomes 0.00001.
gnomAD v4.1: 9 of 1,613,716 alleles (0.00056%); highest among the groups gnomAD compares: Non-Finnish European, 0.00076%; no homozygotes.

Submission:

GeneDx
Classification: Uncertain significance. Last evaluated: 2019-06-07. Review status: criteria provided, single submitter. Criteria: GeneDx Variant Classification Process June 2021. Collection method: clinical testing. Allele origin: germline. Affected: yes.
Comment: Not observed in large population cohorts (Lek et al., 2016); In silico analysis, which includes protein predictors and evolutionary conservation, supports a deleterious effect; Has not been previously published as pathogenic or benign to our knowledge

NM_001369268.1(ACAN):c.50C>T (p.Ala17Val)

Gene: ACAN (aggrecan; plus strand). Cytogenetic location: 15q26.1.
Variant type: single nucleotide variant.
Coding change: c.50C>T on transcript NM_001369268.1 (MANE Select); coding-DNA position 50, C replaced by T.
Protein change: p.Ala17Val; replaces alanine 17 with valine.
Molecular consequence: missense variant.
Genome position (GRCh38, 1-based): chr15:88,836,256, C>T. VCF-style: chr15-88836256-C-T. GRCh37 (hg19) VCF-style: chr15-89379487-C-T.
Other names: c.50C>T, p.Ala17Val (NM_001135.4, NM_013227.4); short protein forms A17V.
Identifiers: ClinVar variation 1317033 (VCV001317033.2), dbSNP rs761719517, ClinGen allele CA274501339.
Genomic context (GRCh38, chr15:88,836,256, plus strand): 5'-CCAGGTGAACTATGACCACTTTACTCTGGGTTTTCGTGACTCTGAGGGTCATCACTGCAG[C>T]TGTCACTGTAGAAACTTCAGGTGAGGACATTCCTATACATGTTTCACGTATTCAGTAGGC-3'
Protein context (NP_001356197.1, residues 7-27): VFVTLRVITA[Ala17Val]VTVETSDHDN